The following is an entry in ClinVar:

NM_170754.4(TNS2):c.1589G>A (p.Arg530Gln)

Gene: TNS2 (tensin 2; plus strand). Cytogenetic location: 12q13.13.
Variant type: single nucleotide variant.
Coding change: c.1589G>A on transcript NM_170754.4 (MANE Select); coding-DNA position 1589, G replaced by A.
Protein change: p.Arg530Gln; replaces arginine 530 with glutamine.
Molecular consequence: missense variant.
Genome position (GRCh38, 1-based): chr12:53,059,230, G>A. VCF-style: chr12-53059230-G-A. GRCh37 (hg19) VCF-style: chr12-53453014-G-A.
Other names: c.1589G>A, p.Arg530Gln (NM_001416202.1); c.1547G>A, p.Arg516Gln (NM_001416203.1); c.1616G>A, p.Arg539Gln (NM_001416204.1); c.1520G>A, p.Arg507Gln (NM_015319.3); c.1217G>A, p.Arg406Gln (NM_198316.2); short protein forms R406Q, R530Q, R540Q, R507Q, R516Q, R539Q.
Identifiers: ClinVar variation 2033338 (VCV002033338.28), dbSNP rs186505042, ClinGen allele CA6592408.

ClinVar aggregate classification (germline): Benign/Likely benign. Review status: criteria provided, multiple submitters, no conflicts (2 of 4 stars). 2 submissions from 2 submitters: Benign (1); Likely benign (1). Last evaluated 2026-01-05.

Allele frequency attached by ClinVar (database versions not stated): 1000 Genomes Project 30x 0.00187; 1000 Genomes Project 0.00200; TOPMed 0.00373; gnomAD 0.00384; ESP Exome Variant Server 0.00426; gnomAD exomes 0.00440; ExAC 0.00516.
gnomAD v4.1: 6,835 of 1,544,942 alleles (0.44%); highest among the groups gnomAD compares: Middle Eastern, 1.5%; 41 homozygotes.

Submissions (2):

Labcorp Genetics (formerly Invitae), Labcorp
Classification: Benign. Last evaluated: 2026-01-05. Review status: criteria provided, single submitter. Criteria: Invitae Variant Classification Sherloc (09022015). Collection method: clinical testing. Allele origin: germline.

CeGaT Center for Human Genetics Tuebingen
Classification: Likely benign. Last evaluated: 2025-05-01. Review status: criteria provided, single submitter. Criteria: CeGaT Center For Human Genetics Tuebingen Variant Classification Criteria Version 2. Collection method: clinical testing. Allele origin: germline. Affected: yes. Observed: 6 variant alleles.
Comment: TNS2: BS2